The following is an entry in ClinVar:

NM_016627.5(AMZ2):c.645del (p.Gly216fs)

Gene: AMZ2 (archaelysin family metallopeptidase 2; plus strand). Cytogenetic location: 17q24.2.
Variant type: Deletion.
Coding change: c.645del on transcript NM_016627.5 (MANE Select); coding-DNA position 645, one base deleted (A; older notation c.645delA).
Protein change: p.Gly216fs; shifts the reading frame from glycine 216.
Molecular consequence: frameshift variant. On other transcripts: non-coding transcript variant (2).
Genome position (GRCh38, 1-based): chr17:68,254,462, A deleted; the last of 3 consecutive A bases (chr17:68,254,460-68,254,462); deleting any one gives the same sequence. VCF-style (leftmost placement, unchanged base first): chr17-68254459-TA-T. GRCh37 (hg19) VCF-style: chr17-66250600-TA-T.
Other names: c.645del, p.Gly216fs (NM_001033569.2, NM_001033570.2, NM_001033571.1 and 12 more transcripts); c.471del, p.Gly158fs (NM_001033574.2, NM_001346480.1); c.543del, p.Gly182fs (NM_001346481.1, NM_001346482.1, NM_001346483.2 and 1 more transcripts); c.477del, p.Gly160fs (NM_001346485.2); short protein forms G182fs, G158fs, G160fs, G216fs.
Identifiers: ClinVar variation 4997007 (VCV004997007.1).
Genomic context (GRCh38, chr17:68,254,459, plus strand): 5'-TGTAGGTGTGGGGATATTCAGCTTTGCCAGGTATGGCAGTGATTTTTATAGCATGCACTA[TA>T]AAGGCAAAGTGAAGAAGCTCAAGAAAACATCTTCAAGTGACTATTCAATTTTCGACAACT-3'

ClinVar aggregate classification (germline): Uncertain significance (1 of 4 stars; one submission).

Conditions:
AMZ2-related disorder. Also called: AMZ2-related condition.

Submission:

PreventionGenetics, part of Exact Sciences
Classification: Uncertain significance for AMZ2-related condition. Last evaluated: 2025-06-02. Review status: criteria provided, single submitter. Criteria: ACMG Guidelines, 2015. Collection method: clinical testing. Allele origin: germline.
Comment: The AMZ2 c.471delA variant is predicted to result in a frameshift and premature protein termination (p.Gly158Alafs*3). To our knowledge, this variant has not been reported in the literature or in a large population database (gnomAD), indicating this variant is rare. Loss of function has not been conclusively established as a mechanism of disease for AMZ2-related disorders. At this time, the clinical significance of this variant is uncertain due to the absence of conclusive functional and genetic evidence.